The following is an entry in ClinVar:

ClinVar aggregate classification (germline): Likely pathogenic. Review status: criteria provided, multiple submitters, no conflicts (2 of 4 stars). 2 submissions from 2 submitters: Likely pathogenic (2). Last evaluated 2023-11-21.

Conditions:
Ornithine aminotransferase deficiency (GACR). Also called: Ornithine ketoacid aminotransferase deficiency; Gyrate atrophy; Gyrate atrophy of choroid and retina; Girate atrophy of the retina; HYPERORNITHINEMIA WITH GYRATE ATROPHY OF CHOROID AND RETINA; OAT DEFICIENCY. Identifiers: Orphanet 414, MedGen C0018425, MONDO:0009796, OMIM 258870.

Submissions (2):

Baylor Genetics
Classification: Likely pathogenic for Ornithine aminotransferase deficiency. Last evaluated: 2023-11-21. Review status: criteria provided, single submitter. Criteria: ACMG Guidelines, 2015. Collection method: clinical testing. Allele origin: unknown.

Labcorp Genetics (formerly Invitae), Labcorp
Classification: Likely pathogenic for Ornithine aminotransferase deficiency. Last evaluated: 2019-06-06. Review status: criteria provided, single submitter. Criteria: Invitae Variant Classification Sherloc (09022015). Collection method: clinical testing. Allele origin: germline.
Comment: This sequence change affects a donor splice site in intron 5 of the OAT gene. It is expected to disrupt RNA splicing and likely results in an absent or disrupted protein product. This variant is not present in population databases (ExAC no frequency). This variant has not been reported in the literature in individuals with OAT-related conditions. Donor and acceptor splice site variants typically lead to a loss of protein function (PMID: 16199547), and loss-of-function variants in OAT are known to be pathogenic (PMID: 1737786, 23076989). In summary, the currently available evidence indicates that the variant is pathogenic, but additional data are needed to prove that conclusively. Therefore, this variant has been classified as Likely Pathogenic.

Literature cited by the submitters: PubMed 16199547 (cited by Labcorp Genetics (formerly Invitae), Labcorp); PubMed 1737786 (cited by Labcorp Genetics (formerly Invitae), Labcorp); PubMed 23076989 (cited by Labcorp Genetics (formerly Invitae), Labcorp).

NM_000274.4(OAT):c.648+1G>A

Gene: OAT (ornithine aminotransferase; minus strand). Cytogenetic location: 10q26.13.
Variant type: single nucleotide variant.
Coding change: c.648+1G>A on transcript NM_000274.4 (MANE Select); the canonical splice donor site of the intron after coding-DNA position 648, G replaced by A.
Molecular consequence: splice donor variant.
Genome position (GRCh38, 1-based): chr10:124,405,435, C>T on the plus strand (G>A on the coding strand, the complement: OAT is on the minus strand). VCF-style: chr10-124405435-C-T. GRCh37 (hg19) VCF-style: chr10-126094004-C-T.
Other names: c.648+1G>A (NM_001322965.2, NM_001322969.2, NM_001322966.2 and 3 more transcripts); c.234+1G>A (NM_001171814.2); c.48+1G>A (NM_001322974.2); c.327+1G>A (NM_001322971.2).
Identifiers: ClinVar variation 942676 (VCV000942676.9), dbSNP rs1951546023, ClinGen allele CA378636072.